The following is an entry in ClinVar:

NM_001126108.2(SLC12A3):c.1075A>G (p.Asn359Asp)

Gene: SLC12A3 (solute carrier family 12 member 3; plus strand). Cytogenetic location: 16q13.
Variant type: single nucleotide variant.
Coding change: c.1075A>G on transcript NM_001126108.2 (MANE Select); coding-DNA position 1075, A replaced by G.
Protein change: p.Asn359Asp; replaces asparagine 359 with aspartic acid.
Molecular consequence: missense variant.
Genome position (GRCh38, 1-based): chr16:56,872,766, A>G. VCF-style: chr16-56872766-A-G. GRCh37 (hg19) VCF-style: chr16-56906678-A-G.
Other names: c.1075A>G, p.Asn359Asp (NM_000339.3); c.1072A>G, p.Asn358Asp (NM_001126107.2); short protein forms N359D, N358D.
Identifiers: ClinVar variation 886363 (VCV000886363.11), dbSNP rs781030242, ClinGen allele CA8069313.
Genomic context (GRCh38, chr16:56,872,766, plus strand): 5'-ACCTTCTTCGGAATGTTCTCCATCTTCTTCCCCTCGGCCACAGGCATCCTGGCAGGGGCC[A>G]ACATATCTGGTGACCTCAAGGTGAGCAGAATACTTGCCCCTCCTGTGTCCTGGCACTGCA-3'
Protein context (NP_001119580.2, residues 349-369): PSATGILAGA[Asn359Asp]ISGDLKDPAI

ClinVar aggregate classification (germline): Conflicting classifications of pathogenicity. Review status: criteria provided, conflicting classifications (1 of 4 stars). 5 submissions from 5 submitters: Likely pathogenic (2); Uncertain significance (3). Last evaluated 2024-04-19.

Conditions:
Familial hypokalemia-hypomagnesemia (GTLMNS). Also called: HYPOMAGNESEMIA-HYPOKALEMIA, PRIMARY RENOTUBULAR, WITH HYPOCALCIURIA; POTASSIUM AND MAGNESIUM DEPLETION; gitelman syndrome. Identifiers: Orphanet 358, MedGen C0268450, MONDO:0009904, OMIM 263800.

Allele frequency attached by ClinVar (database versions not stated): ExAC 0.00001; TOPMed 0.00002; gnomAD exomes 0.00001; gnomAD 0.00002.
gnomAD v4.1: 14 of 1,614,124 alleles (0.00087%); highest among the groups gnomAD compares: Non-Finnish European, 0.0011%; no homozygotes.

Submissions (5):

Fulgent Genetics
Classification: Likely pathogenic for Familial hypokalemia-hypomagnesemia. Last evaluated: 2024-04-19. Review status: criteria provided, single submitter. Criteria: ACMG Guidelines, 2015. Collection method: clinical testing. Allele origin: germline.

Labcorp Genetics (formerly Invitae), Labcorp
Classification: Likely pathogenic. Last evaluated: 2023-12-26. Review status: criteria provided, single submitter. Criteria: Invitae Variant Classification Sherloc (09022015). Collection method: clinical testing. Allele origin: germline.
Comment: This sequence change replaces asparagine, which is neutral and polar, with aspartic acid, which is acidic and polar, at codon 359 of the SLC12A3 protein (p.Asn359Asp). This variant is present in population databases (rs781030242, gnomAD 0.004%). This variant has not been reported in the literature in individuals affected with SLC12A3-related conditions. ClinVar contains an entry for this variant (Variation ID: 886363). Advanced modeling of protein sequence and biophysical properties (such as structural, functional, and spatial information, amino acid conservation, physicochemical variation, residue mobility, and thermodynamic stability) performed at Invitae indicates that this missense variant is expected to disrupt SLC12A3 protein function with a positive predictive value of 95%. This variant disrupts the p.Asn359 amino acid residue in SLC12A3. Other variant(s) that disrupt this residue have been determined to be pathogenic (PMID: 19207868, 26825084, 30413979, 30596175). This suggests that this residue is clinically significant, and that variants that disrupt this residue are likely to be disease-causing. In summary, the currently available evidence indicates that the variant is pathogenic, but additional data are needed to prove that conclusively. Therefore, this variant has been classified as Likely Pathogenic.

Genome-Nilou Lab
Classification: Uncertain significance for Familial hypokalemia-hypomagnesemia. Last evaluated: 2021-07-15. Review status: criteria provided, single submitter. Criteria: ACMG Guidelines, 2015. Collection method: clinical testing. Allele origin: germline. Affected: no.

GeneDx
Classification: Uncertain significance. Last evaluated: 2021-05-05. Review status: criteria provided, single submitter. Criteria: GeneDx Variant Classification Process June 2021. Collection method: clinical testing. Allele origin: germline. Affected: yes.
Comment: In silico analysis supports that this missense variant has a deleterious effect on protein structure/function; This variant is associated with the following publications: (PMID: 19451210, 28469853)

Illumina Laboratory Services, Illumina
Classification: Uncertain significance for Familial hypokalemia-hypomagnesemia. Last evaluated: 2017-04-28. Review status: criteria provided, single submitter. Criteria: ICSL Variant Classification Criteria 13 December 2019. Collection method: clinical testing. Allele origin: germline.
Comment: This variant was observed as part of a predisposition screen in an ostensibly healthy population. A literature search was performed for the gene, cDNA change, and amino acid change (where applicable). Publications were found based on this search. However, the evidence from the literature, in combination with allele frequency data from public databases where available, was not sufficient to rule this variant in or out of causing disease. Therefore, this variant is classified as a variant of unknown significance.

Literature cited by the submitters: PubMed 19207868 (cited by Labcorp Genetics (formerly Invitae), Labcorp); PubMed 26825084 (cited by Labcorp Genetics (formerly Invitae), Labcorp); PubMed 30413979 (cited by Labcorp Genetics (formerly Invitae), Labcorp); PubMed 30596175 (cited by Labcorp Genetics (formerly Invitae), Labcorp); PubMed 19451210 (cited by Illumina Laboratory Services, Illumina).